The following is an entry in ClinVar:

NM_001142864.4(PIEZO1):c.2857C>T (p.Arg953Cys)

Genes: HSALR1 (HSP90AB1 associated lncRNA 1; plus strand), PIEZO1 (piezo type mechanosensitive ion channel component 1 (Er blood group); minus strand). Cytogenetic location: 16q24.3.
Variant type: single nucleotide variant.
Coding change: c.2857C>T on transcript NM_001142864.4 (MANE Select); coding-DNA position 2857, C replaced by T.
Protein change: p.Arg953Cys; replaces arginine 953 with cysteine.
Molecular consequence: missense variant.
Genome position (GRCh38, 1-based): chr16:88,732,469, G>A on the plus strand (C>T on the coding strand, the complement: PIEZO1 is on the minus strand). VCF-style: chr16-88732469-G-A. GRCh37 (hg19) VCF-style: chr16-88798877-G-A.
Other names: p.Arg953Cys; c.1399C>T, p.Arg467Cys (NM_014745.1); short protein forms R467C, R953C.
Identifiers: ClinVar variation 2683399 (VCV002683399.4), dbSNP rs774602954, ClinGen allele CA8232686.
Genomic context (GRCh38, chr16:88,732,469, plus strand): 5'-GGCGGGTGCCGCTGGCAAACACGGCCTGGGCAGGCAGCGGGGCCAGCTGGTGCTGCCGGC[G>A]GTAGTGCTCCTGGCGCCGGTACACGATGGCCTCGAATACCAGCAGCAGCAGCACTTGCAG-3'
Protein context (NP_001136336.2, residues 943-963): AIVYRRQEHY[Arg953Cys]RQHQLAPLPA

ClinVar aggregate classification (germline): Conflicting classifications of pathogenicity. Review status: criteria provided, conflicting classifications (1 of 4 stars). 3 submissions from 3 submitters: Uncertain significance (2); Benign (1). Last evaluated 2025-12-08.

Allele frequency attached by ClinVar (database versions not stated): ExAC 0.00006; gnomAD 0.00011; TOPMed 0.00006.
gnomAD v4.1: 106 of 1,549,372 alleles (0.0068%); highest among the groups gnomAD compares: East Asian, 0.032%; no homozygotes.

Submissions (3):

Labcorp Genetics (formerly Invitae), Labcorp
Classification: Benign. Last evaluated: 2025-12-08. Review status: criteria provided, single submitter. Criteria: Invitae Variant Classification Sherloc (09022015). Collection method: clinical testing. Allele origin: germline.

Revvity Omics, Revvity
Classification: Uncertain significance. Last evaluated: 2023-11-28. Review status: criteria provided, single submitter. Criteria: ACMG Guidelines, 2015. Collection method: clinical testing. Allele origin: germline.

Mayo Clinic Laboratories, Mayo Clinic
Classification: Uncertain significance. Last evaluated: 2022-11-29. Review status: criteria provided, single submitter. Criteria: ACMG Guidelines, 2015. Collection method: clinical testing. Allele origin: germline. Observed: 1 variant allele.
Comment: PM2